The following is an entry in ClinVar:

ClinVar aggregate classification (germline): Uncertain significance (1 of 4 stars; one submission).

Conditions:
Early-infantile DEE. Also called: Ohtahara syndrome; Early infantile epileptic encephalopathy with suppression bursts; Early infantile epileptic encephalopathy. Identifiers: Orphanet 1934, MedGen C0393706, MONDO:0800491.

Allele frequency attached by ClinVar (database versions not stated): gnomAD 0.00001; TOPMed 0.00001.
gnomAD v4.1: 21 of 1,613,222 alleles (0.0013%); highest among the groups gnomAD compares: African/African-American, 0.0027%; no homozygotes.

Submission:

Labcorp Genetics (formerly Invitae), Labcorp
Classification: Uncertain significance for Early-infantile DEE. Last evaluated: 2022-12-06. Review status: criteria provided, single submitter. Criteria: Invitae Variant Classification Sherloc (09022015). Collection method: clinical testing. Allele origin: germline.
Comment: In summary, the available evidence is currently insufficient to determine the role of this variant in disease. Therefore, it has been classified as a Variant of Uncertain Significance. Algorithms developed to predict the effect of missense changes on protein structure and function are either unavailable or do not agree on the potential impact of this missense change (SIFT: "Deleterious"; PolyPhen-2: "Benign"; Align-GVGD: "Class C0"). ClinVar contains an entry for this variant (Variation ID: 1009994). This variant has not been reported in the literature in individuals affected with ARHGEF15-related conditions. This variant is not present in population databases (gnomAD no frequency). This sequence change replaces serine, which is neutral and polar, with isoleucine, which is neutral and non-polar, at codon 192 of the ARHGEF15 protein (p.Ser192Ile).

NM_173728.4(ARHGEF15):c.575G>T (p.Ser192Ile)

Gene: ARHGEF15 (Rho guanine nucleotide exchange factor 15; plus strand). Cytogenetic location: 17p13.1.
Variant type: single nucleotide variant.
Coding change: c.575G>T on transcript NM_173728.4 (MANE Select); coding-DNA position 575, G replaced by T.
Protein change: p.Ser192Ile; replaces serine 192 with isoleucine.
Molecular consequence: missense variant.
Genome position (GRCh38, 1-based): chr17:8,312,614, G>T. VCF-style: chr17-8312614-G-T. GRCh37 (hg19) VCF-style: chr17-8215932-G-T.
Other names: c.575G>T, p.Ser192Ile (NM_025014.2); short protein forms S192I.
Identifiers: ClinVar variation 1009994 (VCV001009994.9), dbSNP rs200099841, ClinGen allele CA398015076.